The following is an entry in ClinVar:

ClinVar aggregate classification (germline): Uncertain significance (1 of 4 stars; one submission).

Submission:

Ambry Genetics
Classification: Uncertain significance. Last evaluated: 2022-04-20. Review status: criteria provided, single submitter. Criteria: Ambry Variant Classification Scheme 2023. Collection method: clinical testing. Allele origin: germline.
Comment: The p.I2157T variant (also known as c.6470T>C), located in coding exon 12 of the ALPK2 gene, results from a T to C substitution at nucleotide position 6470. The isoleucine at codon 2157 is replaced by threonine, an amino acid with similar properties. This amino acid position is conserved. In addition, this alteration is predicted to be tolerated by in silico analysis. Since supporting evidence is limited at this time, the clinical significance of this alteration remains unclear.

NM_052947.4(ALPK2):c.6470T>C (p.Ile2157Thr)

Gene: ALPK2 (alpha kinase 2; minus strand). Cytogenetic location: 18q21.31.
Variant type: single nucleotide variant.
Coding change: c.6470T>C on transcript NM_052947.4 (MANE Select); coding-DNA position 6470, T replaced by C.
Protein change: p.Ile2157Thr; replaces isoleucine 2157 with threonine.
Molecular consequence: missense variant.
Genome position (GRCh38, 1-based): chr18:58,481,866, A>G on the plus strand (T>C on the coding strand, the complement: ALPK2 is on the minus strand). VCF-style: chr18-58481866-A-G. GRCh37 (hg19) VCF-style: chr18-56149098-A-G.
Other names: short protein forms I2157T.
Identifiers: ClinVar variation 1753715 (VCV001753715.2), dbSNP rs1568061859, ClinGen allele CA402538279.